The following is an entry in ClinVar:

NM_000051.4(ATM):c.1898+8A>G

Gene: ATM (ATM serine/threonine kinase; plus strand). Cytogenetic location: 11q22.3.
Variant type: single nucleotide variant.
Coding change: c.1898+8A>G on transcript NM_000051.4 (MANE Select); 8 bases into the intron after coding-DNA position 1898, A replaced by G.
Molecular consequence: intron variant.
Genome position (GRCh38, 1-based): chr11:108,252,920, A>G. VCF-style: chr11-108252920-A-G. GRCh37 (hg19) VCF-style: chr11-108123647-A-G.
Other names: c.1898+8A>G (NM_001351834.2).
Identifiers: ClinVar variation 3253815 (VCV003253815.1), dbSNP rs2135355462.

ClinVar aggregate classification (germline): Likely benign (1 of 4 stars; one submission).

Conditions:
Familial cancer of breast. Also called: BREAST CANCER, FAMILIAL; Hereditary breast cancer; hereditary breast carcinoma. Identifiers: Orphanet 227535, MedGen C0346153, MONDO:0016419, OMIM 114480. Disease mechanism: loss of function.

Submission:

Myriad Genetics, Inc.
Classification: Likely benign for Familial cancer of breast. Last evaluated: 2024-05-02. Review status: criteria provided, single submitter. Criteria: Myriad Autosomal Dominant, Autosomal Recessive and X-Linked Classification Criteria (2023). Collection method: clinical testing. Allele origin: unknown.
Comment: This variant is considered likely benign. This variant is intronic and is not expected to impact mRNA splicing.